The following is an entry in ClinVar:

ClinVar aggregate classification (germline): Uncertain significance (0 of 4 stars; one submission).

Conditions:
MAFB-related disorder. Also called: MAFB-related condition.

Submission:

PreventionGenetics, part of Exact Sciences
Classification: Uncertain significance for MAFB-related condition. Last evaluated: 2024-02-21. Review status: no assertion criteria provided. Collection method: clinical testing. Allele origin: germline.
Comment: The MAFB c.406C>T variant is predicted to result in the amino acid substitution p.His136Tyr. To our knowledge, this variant has not been reported in the literature or in a large population database, indicating this variant is rare. At this time, the clinical significance of this variant is uncertain due to the absence of conclusive functional and genetic evidence.

NM_005461.5(MAFB):c.406C>T (p.His136Tyr)

Gene: MAFB (MAF bZIP transcription factor B; minus strand). Cytogenetic location: 20q12.
Variant type: single nucleotide variant.
Coding change: c.406C>T on transcript NM_005461.5 (MANE Select); coding-DNA position 406, C replaced by T.
Protein change: p.His136Tyr; replaces histidine 136 with tyrosine.
Molecular consequence: missense variant.
Genome position (GRCh38, 1-based): chr20:40,688,445, G>A on the plus strand (C>T on the coding strand, the complement: MAFB is on the minus strand). VCF-style: chr20-40688445-G-A. GRCh37 (hg19) VCF-style: chr20-39317085-G-A.
Other names: short protein forms H136Y.
Identifiers: ClinVar variation 3033594 (VCV003033594.2), dbSNP rs2515463245, ClinGen allele CA408941224.
Genomic context (GRCh38, chr20:40,688,445, plus strand): 5'-CCAGCTCGTCGTGGGCCACGCCGGCGCCCGGGTACGCGTGGTGCGGGTGAGGGTGGTGGT[G>A]ATGGTGGTGGTGGTGAGCGCCGCGAAAGCTGTCGAAGCTTTGCAGCGGCTGTGGCACTGG-3'
Protein context (NP_005452.2, residues 126-146): SFRGAHHHHH[His136Tyr]HHPHPHHAYP